The following is an entry in ClinVar:

NM_000051.4(ATM):c.1018G>T (p.Ala340Ser)

Gene: ATM (ATM serine/threonine kinase; plus strand). Cytogenetic location: 11q22.3.
Variant type: single nucleotide variant.
Coding change: c.1018G>T on transcript NM_000051.4 (MANE Select); coding-DNA position 1018, G replaced by T.
Protein change: p.Ala340Ser; replaces alanine 340 with serine.
Molecular consequence: missense variant.
Genome position (GRCh38, 1-based): chr11:108,247,080, G>T. VCF-style: chr11-108247080-G-T. GRCh37 (hg19) VCF-style: chr11-108117807-G-T.
Other names: c.1018G>T, p.Ala340Ser (NM_001351834.2); short protein forms A340S.
Identifiers: ClinVar variation 2862497 (VCV002862497.3), dbSNP rs2079887896, ClinGen allele CA382531505.

ClinVar aggregate classification (germline): Uncertain significance (1 of 4 stars; one submission).

Conditions:
Ataxia-telangiectasia syndrome (AT). Also called: AT, COMPLEMENTATION GROUP C; Ataxia telangiectasia (A-T); ATAXIA-TELANGIECTASIA, COMPLEMENTATION GROUP A; ATAXIA-TELANGIECTASIA, FRESNO VARIANT; Ataxia-telangiectasia, complementation group D; Ataxia-telangiectasia, complementation group E. Identifiers: Orphanet 100, MedGen C0004135, MONDO:0008840, OMIM 208900.

Submission:

Labcorp Genetics (formerly Invitae), Labcorp
Classification: Uncertain significance for Ataxia-telangiectasia syndrome. Last evaluated: 2023-05-23. Review status: criteria provided, single submitter. Criteria: Invitae Variant Classification Sherloc (09022015). Collection method: clinical testing. Allele origin: germline.
Comment: In summary, the available evidence is currently insufficient to determine the role of this variant in disease. Therefore, it has been classified as a Variant of Uncertain Significance. An algorithm developed to predict the effect of missense changes on protein structure and function (PolyPhen-2) suggests that this variant is likely to be tolerated. This variant has not been reported in the literature in individuals affected with ATM-related conditions. This variant is not present in population databases (gnomAD no frequency). This sequence change replaces alanine, which is neutral and non-polar, with serine, which is neutral and polar, at codon 340 of the ATM protein (p.Ala340Ser).